The following is an entry in ClinVar:

NM_006270.5(RRAS):c.14C>G (p.Ala5Gly)

Gene: RRAS (RAS related; minus strand). Cytogenetic location: 19q13.33.
Variant type: single nucleotide variant.
Coding change: c.14C>G on transcript NM_006270.5 (MANE Select); coding-DNA position 14, C replaced by G.
Protein change: p.Ala5Gly; replaces alanine 5 with glycine.
Molecular consequence: missense variant.
Genome position (GRCh38, 1-based): chr19:49,640,085, G>C on the plus strand (C>G on the coding strand, the complement: RRAS is on the minus strand). VCF-style: chr19-49640085-G-C. GRCh37 (hg19) VCF-style: chr19-50143342-G-C.
Other names: short protein forms A5G.
Identifiers: ClinVar variation 3225522 (VCV003225522.1), dbSNP rs1464244260, ClinGen allele CA406850191.

ClinVar aggregate classification (germline): Uncertain significance (1 of 4 stars; one submission).

Submission:

Ambry Genetics
Classification: Uncertain significance. Last evaluated: 2023-10-12. Review status: criteria provided, single submitter. Criteria: Ambry Variant Classification Scheme 2023. Collection method: clinical testing. Allele origin: germline.
Comment: The p.A5G variant (also known as c.14C>G), located in coding exon 1 of the RRAS gene, results from a C to G substitution at nucleotide position 14. The alanine at codon 5 is replaced by glycine, an amino acid with similar properties. This amino acid position is conserved. In addition, this alteration is predicted to be tolerated by in silico analysis. Since supporting evidence is limited at this time, the clinical significance of this alteration remains unclear.